The following is an entry in ClinVar:

ClinVar aggregate classification (germline): Benign. Review status: criteria provided, multiple submitters, no conflicts (2 of 4 stars). 3 submissions from 3 submitters: Benign (2). 1 of the submissions does not count toward it. Last evaluated 2019-12-31.

Conditions:
ECM1-related disorder. Also called: ECM1-related condition.

Allele frequency attached by ClinVar (database versions not stated): gnomAD exomes 0.00011 and 0.00038; ExAC 0.00012; 1000 Genomes Project 30x 0.00016; 1000 Genomes Project 0.00020; gnomAD 0.00026 and 0.00027; TOPMed 0.00033.
gnomAD v4.1: 196 of 1,613,212 alleles (0.012%); highest among the groups gnomAD compares: Admixed American, 0.31%; 4 homozygotes.

Submissions (3):

Labcorp Genetics (formerly Invitae), Labcorp
Classification: Benign. Last evaluated: 2019-12-31. Review status: criteria provided, single submitter. Criteria: Invitae Variant Classification Sherloc (09022015). Collection method: clinical testing. Allele origin: germline.

Breakthrough Genomics
Classification: Benign. Review status: criteria provided, single submitter. Criteria: ACMG Guidelines, 2015. Collection method: not provided. Allele origin: germline. Inheritance: Autosomal recessive inheritance. Affected: yes.

PreventionGenetics, part of Exact Sciences
Classification: Likely benign for ECM1-related condition. Last evaluated: 2022-07-28. Review status: no assertion criteria provided. Collection method: clinical testing. Allele origin: germline. Not counted in ClinVar's aggregate classification.
Comment: This variant is classified as likely benign based on ACMG/AMP sequence variant interpretation guidelines (Richards et al. 2015 PMID: 25741868, with internal and published modifications).

NM_004425.4(ECM1):c.1114C>T (p.Arg372Trp)

Gene: ECM1 (extracellular matrix protein 1; plus strand). Cytogenetic location: 1q21.2.
Variant type: single nucleotide variant.
Coding change: c.1114C>T on transcript NM_004425.4 (MANE Select); coding-DNA position 1114, C replaced by T.
Protein change: p.Arg372Trp; replaces arginine 372 with tryptophan.
Molecular consequence: missense variant.
Genome position (GRCh38, 1-based): chr1:150,512,382, C>T. VCF-style: chr1-150512382-C-T. GRCh37 (hg19) VCF-style: chr1-150484858-C-T.
Other names: c.1195C>T, p.Arg399Trp (NM_001202858.2); c.739C>T, p.Arg247Trp (NM_022664.3); short protein forms R372W, R399W, R247W.
Identifiers: ClinVar variation 788943 (VCV000788943.7), dbSNP rs587651183, ClinGen allele CA1077645.